The following is an entry in ClinVar:

NM_004999.4(MYO6):c.1939T>G (p.Phe647Val)

Gene: MYO6 (myosin VI; plus strand). Cytogenetic location: 6q14.1.
Variant type: single nucleotide variant.
Coding change: c.1939T>G on transcript NM_004999.4 (MANE Select); coding-DNA position 1939, T replaced by G.
Protein change: p.Phe647Val; replaces phenylalanine 647 with valine.
Molecular consequence: missense variant. On other transcripts: non-coding transcript variant (1).
Genome position (GRCh38, 1-based): chr6:75,867,100, T>G. VCF-style: chr6-75867100-T-G. GRCh37 (hg19) VCF-style: chr6-76576817-T-G.
Other names: c.1939T>G, p.Phe647Val (NM_001300899.2, NM_001368136.1, NM_001368137.1 and 2 more transcripts); c.1924T>G, p.Phe642Val (NM_001368138.1); c.1939T>G (NM_004999.3); short protein forms F647V, F642V.
Identifiers: ClinVar variation 1472132 (VCV001472132.10), dbSNP rs752585373, ClinGen allele CA3897242.

ClinVar aggregate classification (germline): Uncertain significance. Review status: criteria provided, multiple submitters, no conflicts (2 of 4 stars). 2 submissions from 2 submitters: Uncertain significance (2). Last evaluated 2024-12-20.

Allele frequency attached by ClinVar (database versions not stated): ExAC 0.00001; gnomAD exomes 0.00002 and 0.00003; TOPMed 0.00002; gnomAD 0.00003.
gnomAD v4.1: 42 of 1,610,090 alleles (0.0026%); highest among the groups gnomAD compares: Non-Finnish European, 0.0035%; no homozygotes.

Submissions (3):

GeneDx
Classification: Uncertain significance. Last evaluated: 2024-12-20. Review status: criteria provided, single submitter. Criteria: GeneDx Variant Classification Process June 2021. Collection method: clinical testing. Allele origin: germline. Affected: yes.
Comment: Reported in a patient with postlingual hearing loss in published literature (PMID: 34997062); In silico analysis supports that this missense variant has a deleterious effect on protein structure/function; This variant is associated with the following publications: (PMID: 34997062)

Labcorp Genetics (formerly Invitae), Labcorp
Classification: Uncertain significance. Last evaluated: 2023-12-11. Review status: criteria provided, single submitter. Criteria: Invitae Variant Classification Sherloc (09022015). Collection method: clinical testing. Allele origin: germline.
Comment: This sequence change replaces phenylalanine, which is neutral and non-polar, with valine, which is neutral and non-polar, at codon 647 of the MYO6 protein (p.Phe647Val). This variant is present in population databases (rs752585373, gnomAD 0.003%). This variant has not been reported in the literature in individuals affected with MYO6-related conditions. ClinVar contains an entry for this variant (Variation ID: 1472132). Advanced modeling of protein sequence and biophysical properties (such as structural, functional, and spatial information, amino acid conservation, physicochemical variation, residue mobility, and thermodynamic stability) performed at Invitae indicates that this missense variant is expected to disrupt MYO6 protein function with a positive predictive value of 80%. In summary, the available evidence is currently insufficient to determine the role of this variant in disease. Therefore, it has been classified as a Variant of Uncertain Significance.

Dr. Peter K. Rogan Lab, Western University
No classification provided (evidence only). Condition: Ovarian serous cystadenocarcinoma. Review status: no classification provided. Collection method: in vitro. Allele origin: not applicable. Functional consequence: retained intron. Not counted in ClinVar's aggregate classification.